The following is an entry in ClinVar:

ClinVar aggregate classification (germline): Uncertain significance. Review status: criteria provided, multiple submitters, no conflicts (2 of 4 stars). 3 submissions from 3 submitters: Uncertain significance (3). Last evaluated 2025-09-28.

Conditions:
Inborn genetic diseases. Identifiers: MedGen C0950123, MeSH D030342.
MYO5B-related disorder. Also called: MYO5B-related condition.

Allele frequency attached by ClinVar (database versions not stated): gnomAD exomes 0.00002; TOPMed 0.00002; ExAC 0.00003; ESP Exome Variant Server 0.00008.
gnomAD v4.1: 14 of 1,441,376 alleles (0.00097%); highest among the groups gnomAD compares: Middle Eastern, 0.057%; no homozygotes.

Submissions (3):

Ambry Genetics
Classification: Uncertain significance for Inborn genetic diseases. Last evaluated: 2025-09-28. Review status: criteria provided, single submitter. Criteria: Ambry Variant Classification Scheme 2023. Collection method: clinical testing. Allele origin: germline.

PreventionGenetics, part of Exact Sciences
Classification: Uncertain significance for MYO5B-related condition. Last evaluated: 2025-01-13. Review status: criteria provided, single submitter. Criteria: ACMG Guidelines, 2015. Collection method: clinical testing. Allele origin: germline.
Comment: The MYO5B c.127G>C variant is predicted to result in the amino acid substitution p.Glu43Gln. To our knowledge, this variant has not been reported in the literature. This variant is reported in 0.0066% of alleles in individuals of African descent in gnomAD. At this time, the clinical significance of this variant is uncertain due to the absence of conclusive functional and genetic evidence.

Labcorp Genetics (formerly Invitae), Labcorp
Classification: Uncertain significance. Last evaluated: 2023-10-13. Review status: criteria provided, single submitter. Criteria: Invitae Variant Classification Sherloc (09022015). Collection method: clinical testing. Allele origin: germline.
Comment: This sequence change replaces glutamic acid, which is acidic and polar, with glutamine, which is neutral and polar, at codon 43 of the MYO5B protein (p.Glu43Gln). This variant is present in population databases (rs369340100, gnomAD 0.007%). This variant has not been reported in the literature in individuals affected with MYO5B-related conditions. ClinVar contains an entry for this variant (Variation ID: 1480818). Advanced modeling of protein sequence and biophysical properties (such as structural, functional, and spatial information, amino acid conservation, physicochemical variation, residue mobility, and thermodynamic stability) has been performed at Invitae for this missense variant, however the output from this modeling did not meet the statistical confidence thresholds required to predict the impact of this variant on MYO5B protein function. In summary, the available evidence is currently insufficient to determine the role of this variant in disease. Therefore, it has been classified as a Variant of Uncertain Significance.

NM_001080467.3(MYO5B):c.127G>C (p.Glu43Gln)

Gene: MYO5B (myosin VB; minus strand). Cytogenetic location: 18q21.1.
Variant type: single nucleotide variant.
Coding change: c.127G>C on transcript NM_001080467.3 (MANE Select); coding-DNA position 127, G replaced by C.
Protein change: p.Glu43Gln; replaces glutamic acid 43 with glutamine.
Molecular consequence: missense variant.
Genome position (GRCh38, 1-based): chr18:50,055,279, C>G on the plus strand (G>C on the coding strand, the complement: MYO5B is on the minus strand). VCF-style: chr18-50055279-C-G. GRCh37 (hg19) VCF-style: chr18-47581649-C-G.
Other names: c.127G>C (NM_001080467.2); short protein forms E43Q.
Identifiers: ClinVar variation 1480818 (VCV001480818.8), dbSNP rs369340100, ClinGen allele CA8962019.
Genomic context (GRCh38, chr18:50,055,279, plus strand): 5'-CTCCCTGCCCCACCTCACCCCCGCCCCCCTGCCCCGGACTCACTCTTACCGTTTCATCCT[C>G]CAGTCTGAGCTGTAGGCTCTTGTCTCCTTCTTTGTAGTCCTTGGTTAACTCAGCTGAGCG-3'
Protein context (NP_001073936.1, residues 33-53): EGDKSLQLRL[Glu43Gln]DETILEYPID